The following is an entry in ClinVar:

NM_000384.3(APOB):c.13369G>A (p.Asp4457Asn)

Gene: APOB (apolipoprotein B; minus strand). Cytogenetic location: 2p24.1.
Variant type: single nucleotide variant.
Coding change: c.13369G>A on transcript NM_000384.3 (MANE Select); coding-DNA position 13369, G replaced by A.
Protein change: p.Asp4457Asn; replaces aspartic acid 4457 with asparagine.
Molecular consequence: missense variant.
Genome position (GRCh38, 1-based): chr2:21,002,053, C>T on the plus strand (G>A on the coding strand, the complement: APOB is on the minus strand). VCF-style: chr2-21002053-C-T. GRCh37 (hg19) VCF-style: chr2-21224925-C-T.
Other names: p.Asp4457Asn; short protein forms D4457N.
Identifiers: ClinVar variation 477800 (VCV000477800.56), dbSNP rs183812948, ClinGen allele CA052562.

ClinVar aggregate classification (germline): Conflicting classifications of pathogenicity. Review status: criteria provided, conflicting classifications (1 of 4 stars). 12 submissions from 11 submitters: Uncertain significance (2); Benign (3); Likely benign (5). 2 of the submissions do not count toward it. Last evaluated 2026-10-01.

Conditions:
Cardiovascular phenotype. Identifiers: MedGen CN230736.
APOB-related disorder. Also called: APOB-related condition; APOB-related disorders.
Familial hypobetalipoproteinemia 1. Also called: Hypobetalipoproteinemia, normotriglyceridemic; Acanthocytosis with hypobetalipoproteinemia; APOB-Related Familial Hypobetalipoproteinemia. Identifiers: MedGen C4551990, MONDO:0014252, OMIM 615558.
Familial hypercholesterolemia. Also called: Familial hypercholesterolaemia; Familial hypercholesterolemias. Identifiers: MedGen C0020445, MONDO:0005439.
Hypercholesterolemia, autosomal dominant, type B (FHCL2). Also called: APOLIPOPROTEIN B-100, FAMILIAL DEFECTIVE; APOLIPOPROTEIN B-100, FAMILIAL LIGAND-DEFECTIVE; HYPERCHOLESTEROLEMIA, FAMILIAL, DUE TO LIGAND-DEFECTIVE APOLIPOPROTEIN B; Familial Hypercholesterolemia Type B; Hyperlipoproteinemia Type IIb; Familial hypercholesterolemia 2. Identifiers: MedGen C1704417, MONDO:0007751, OMIM 144010.

Allele frequency attached by ClinVar (database versions not stated): ExAC 0.00020; gnomAD exomes 0.00022 and 0.00078; 1000 Genomes Project 0.00080; 1000 Genomes Project 30x 0.00109; TOPMed 0.00193; gnomAD 0.00239 and 0.00250.
gnomAD v4.1: 677 of 1,613,922 alleles (0.042%); highest among the groups gnomAD compares: Admixed American, 0.96%; 19 homozygotes.

Submissions (12):

CeGaT Center for Human Genetics Tuebingen
Classification: Likely benign. Last evaluated: 2026-10-01. Review status: criteria provided, single submitter. Criteria: CeGaT Center For Human Genetics Tuebingen Variant Classification Criteria Version 2. Collection method: clinical testing. Allele origin: germline. Affected: yes. Observed: 13 variant alleles.
Comment: APOB: BP4, BS2

Labcorp Genetics (formerly Invitae), Labcorp
Classification: Benign for Familial hypobetalipoproteinemia 1; Hypercholesterolemia, autosomal dominant, type B. Last evaluated: 2026-01-27. Review status: criteria provided, single submitter. Criteria: Invitae Variant Classification Sherloc (09022015). Collection method: clinical testing. Allele origin: germline.

Mayo Clinic Laboratories, Mayo Clinic
Classification: Likely benign. Last evaluated: 2025-04-30. Review status: criteria provided, single submitter. Criteria: ACMG Guidelines, 2015. Collection method: clinical testing. Allele origin: germline. Observed: 1 variant allele.
Comment: BS1, BP4_moderate

Blueprint Genetics
Classification: Likely benign. Last evaluated: 2024-11-19. Review status: criteria provided, single submitter. Criteria: ACMG Guidelines, 2015. Collection method: clinical testing. Allele origin: germline.

GENinCode PLC
Classification: Benign for Familial hypercholesterolemia. Last evaluated: 2022-06-17. Review status: criteria provided, single submitter. Criteria: ACMG Guidelines, 2015. Collection method: clinical testing. Allele origin: germline.

Quest Diagnostics Nichols Institute San Juan Capistrano
Classification: Likely benign. Last evaluated: 2020-07-24. Review status: criteria provided, single submitter. Criteria: Quest Diagnostics criteria. Collection method: clinical testing. Allele origin: unknown.

Molecular Diagnostic Laboratory for Inherited Cardiovascular Disease, Montreal Heart Institute
Classification: Benign. Last evaluated: 2020-01-13. Review status: criteria provided, single submitter. Criteria: ACMG Guidelines, 2015. Collection method: clinical testing. Allele origin: germline. Affected: yes.

Illumina Laboratory Services, Illumina
Classification: Uncertain significance for Hypercholesterolemia, autosomal dominant, type B. Last evaluated: 2018-01-13. Review status: criteria provided, single submitter. Criteria: ICSL Variant Classification Criteria 13 December 2019. Collection method: clinical testing. Allele origin: germline.

Illumina Laboratory Services, Illumina
Classification: Uncertain significance for Familial hypobetalipoproteinemia 1. Last evaluated: 2018-01-13. Review status: criteria provided, single submitter. Criteria: ICSL Variant Classification Criteria 13 December 2019. Collection method: clinical testing. Allele origin: germline.

Ambry Genetics
Classification: Likely benign for Cardiovascular phenotype. Last evaluated: 2016-11-02. Review status: criteria provided, single submitter. Criteria: Ambry Variant Classification Scheme 2023. Collection method: clinical testing. Allele origin: germline.

PreventionGenetics, part of Exact Sciences
Classification: Likely benign for APOB-related condition. Last evaluated: 2020-04-24. Review status: no assertion criteria provided. Collection method: clinical testing. Allele origin: germline. Not counted in ClinVar's aggregate classification.
Comment: This variant is classified as likely benign based on ACMG/AMP sequence variant interpretation guidelines (Richards et al. 2015 PMID: 25741868, with internal and published modifications).

Department of Pathology and Laboratory Medicine, Sinai Health System
Classification: Likely benign. Review status: no assertion criteria provided. Collection method: clinical testing. Allele origin: unknown. Affected: yes. Study: The Canadian Open Genetics Repository (COGR). Not counted in ClinVar's aggregate classification.
Comment: The APOB p.D4457N variant was not identified in the literature but was identified in dbSNP (ID: rs183812948) and ClinVar (classified as uncertain significance by Illumina, as likely benign by Color, and as benign by Invitae). The variant was identified in control databases in 199 of 281656 chromosomes (4 homozygous) at a frequency of 0.0007065, and was observed at the highest frequency in the Latino population in 176 of 35374 chromosomes (freq: 0.004975) (Genome Aggregation Database March 6, 2019, v2.1.1). The p.D4457 residue is conserved in mammals however computational analyses (MUT Assesor, PolyPhen-2, SIFT, MutationTaster, Revel, FATHMM, MetaLR, DANN) do not suggest a high likelihood of impact to the protein; however this information is not predictive enough to rule out pathogenicity. The variant occurs outside of the splicing consensus sequence and in silico or computational prediction software programs (Splice AI exome) do not predict a difference in splicing. In summary, based on the above information the clinical significance of this variant cannot be determined with certainty at this time although we would lean towards a more benign role for this variant. This variant is classified as likely benign.